The following is an entry in ClinVar:

ClinVar aggregate classification (germline): Uncertain significance. Review status: criteria provided, multiple submitters, no conflicts (2 of 4 stars). 2 submissions from 2 submitters: Uncertain significance (2). Last evaluated 2026-02-06.

Conditions:
DDX41-related hematologic malignancy predisposition syndrome. Also called: DDX41-Associated Familial Myelodysplastic Syndrome and Acute Myeloid Leukemia; Myeloproliferative/lymphoproliferative neoplasms, familial (multiple types), susceptibility to. Identifiers: Orphanet 488647, MedGen C4225174, MONDO:0014809, OMIM 616871.
Inborn genetic diseases. Identifiers: MedGen C0950123, MeSH D030342.

Allele frequency attached by ClinVar (database versions not stated): gnomAD exomes below 0.00001.
gnomAD v4.1: 1 of 1,614,188 alleles (0.000062%); highest among the groups gnomAD compares: Non-Finnish European, 0.000085%; no homozygotes.

Submissions (2):

Ambry Genetics
Classification: Uncertain significance for Inborn genetic diseases. Last evaluated: 2026-02-06. Review status: criteria provided, single submitter. Criteria: Ambry Variant Classification Scheme 2023. Collection method: clinical testing. Allele origin: germline.
Comment: The p.K134E variant (also known as c.400A>G), located in coding exon 5 of the DDX41 gene, results from an A to G substitution at nucleotide position 400. The lysine at codon 134 is replaced by glutamic acid, an amino acid with similar properties. This amino acid position is highly conserved in available vertebrate species. In addition, this alteration is predicted to be tolerated by in silico analysis. Based on the available evidence, the clinical significance of this variant remains unclear.

Baylor Genetics
Classification: Uncertain significance for DDX41-related hematologic malignancy predisposition syndrome. Last evaluated: 2024-03-06. Review status: criteria provided, single submitter. Criteria: ACMG Guidelines, 2015. Collection method: clinical testing. Allele origin: unknown.

NM_016222.4(DDX41):c.400A>G (p.Lys134Glu)

Gene: DDX41 (DEAD-box helicase 41; minus strand). Cytogenetic location: 5q35.3.
Variant type: single nucleotide variant.
Coding change: c.400A>G on transcript NM_016222.4 (MANE Select); coding-DNA position 400, A replaced by G.
Protein change: p.Lys134Glu; replaces lysine 134 with glutamic acid.
Molecular consequence: missense variant.
Genome position (GRCh38, 1-based): chr5:177,515,963, T>C on the plus strand (A>G on the coding strand, the complement: DDX41 is on the minus strand). VCF-style: chr5-177515963-T-C. GRCh37 (hg19) VCF-style: chr5-176942964-T-C.
Other names: c.22A>G, p.Lys8Glu (NM_001321732.2, NM_001321830.2); c.400A>G (NM_016222.2); short protein forms K134E, K8E.
Identifiers: ClinVar variation 3241294 (VCV003241294.2), dbSNP rs2532088584.